The following is an entry in ClinVar:

ClinVar aggregate classification (germline): Uncertain significance (1 of 4 stars; one submission).

Conditions:
Holoprosencephaly 5 (HPE5). Identifiers: Orphanet 2162, MedGen C1864827, MONDO:0012322, OMIM 609637.

Submission:

Labcorp Genetics (formerly Invitae), Labcorp
Classification: Uncertain significance for Holoprosencephaly 5. Last evaluated: 2025-10-02. Review status: criteria provided, single submitter. Criteria: Invitae Variant Classification Sherloc (09022015). Collection method: clinical testing. Allele origin: germline.
Comment: This sequence change replaces alanine, which is neutral and non-polar, with threonine, which is neutral and polar, at codon 428 of the ZIC2 protein (p.Ala428Thr). This variant is not present in population databases (gnomAD no frequency). This variant has not been reported in the literature in individuals affected with ZIC2-related conditions. Invitae Evidence Modeling of protein sequence and biophysical properties (such as structural, functional, and spatial information, amino acid conservation, physicochemical variation, residue mobility, and thermodynamic stability) indicates that this missense variant is not expected to disrupt ZIC2 protein function with a negative predictive value of 80%. In summary, the available evidence is currently insufficient to determine the role of this variant in disease. Therefore, it has been classified as a Variant of Uncertain Significance.

NM_007129.5(ZIC2):c.1282G>A (p.Ala428Thr)

Gene: ZIC2 (Zic family zinc finger 2; plus strand). Cytogenetic location: 13q32.3.
Variant type: single nucleotide variant.
Coding change: c.1282G>A on transcript NM_007129.5 (MANE Select); coding-DNA position 1282, G replaced by A.
Protein change: p.Ala428Thr; replaces alanine 428 with threonine.
Molecular consequence: missense variant.
Genome position (GRCh38, 1-based): chr13:99,985,365, G>A. VCF-style: chr13-99985365-G-A. GRCh37 (hg19) VCF-style: chr13-100637619-G-A.
Other names: short protein forms A428T.
Identifiers: ClinVar variation 4805492 (VCV004805492.1).